The following is an entry in ClinVar:

NM_001365715.1(LRCH3):c.1293A>C (p.Lys431Asn)

Gene: LRCH3 (leucine rich repeats and calponin homology domain containing 3; plus strand). Cytogenetic location: 3q29.
Variant type: single nucleotide variant.
Coding change: c.1293A>C on transcript NM_001365715.1 (MANE Select); coding-DNA position 1293, A replaced by C.
Protein change: p.Lys431Asn; replaces lysine 431 with asparagine.
Molecular consequence: missense variant. On other transcripts: non-coding transcript variant (1).
Genome position (GRCh38, 1-based): chr3:197,839,362, A>C. VCF-style: chr3-197839362-A-C. GRCh37 (hg19) VCF-style: chr3-197566233-A-C.
Other names: c.1293A>C, p.Lys431Asn (NM_001363887.1, NM_001365716.1, NM_001365717.1 and 3 more transcripts); short protein forms K431N.
Identifiers: ClinVar variation 3034710 (VCV003034710.2), dbSNP rs148665137, ClinGen allele CA2788293.

ClinVar aggregate classification (germline): Likely benign (0 of 4 stars; one submission).

Conditions:
LRCH3-related disorder. Also called: LRCH3-related condition.

Allele frequency attached by ClinVar (database versions not stated): 1000 Genomes Project 0.00080; 1000 Genomes Project 30x 0.00094; gnomAD exomes 0.00146; ExAC 0.00149; gnomAD 0.00155; TOPMed 0.00156; ESP Exome Variant Server 0.00200.
gnomAD v4.1: 2,370 of 1,594,350 alleles (0.15%); highest among the groups gnomAD compares: Middle Eastern, 1.2%; 2 homozygotes.

Submission:

PreventionGenetics, part of Exact Sciences
Classification: Likely benign for LRCH3-related condition. Last evaluated: 2022-05-25. Review status: no assertion criteria provided. Collection method: clinical testing. Allele origin: germline.
Comment: This variant is classified as likely benign based on ACMG/AMP sequence variant interpretation guidelines (Richards et al. 2015 PMID: 25741868, with internal and published modifications).